The following is an entry in ClinVar:

ClinVar aggregate classification (germline): Uncertain significance. Review status: criteria provided, multiple submitters, no conflicts (2 of 4 stars). 2 submissions from 2 submitters: Uncertain significance (2). Last evaluated 2026-09-09.

Allele frequency attached by ClinVar (database versions not stated): gnomAD exomes 0.00002 and 0.00005; ExAC 0.00004; gnomAD 0.00004; TOPMed 0.00010; 1000 Genomes Project 30x 0.00016; 1000 Genomes Project 0.00020.
gnomAD v4.1: 36 of 1,383,652 alleles (0.0026%); highest among the groups gnomAD compares: Middle Eastern, 0.045%; no homozygotes.

Submissions (2):

GeneDx
Classification: Uncertain significance. Last evaluated: 2026-09-09. Review status: criteria provided, single submitter. Criteria: GeneDx Variant Classification Process June 2021. Collection method: clinical testing. Allele origin: germline.
Comment: In silico analysis supports that this missense variant has a deleterious effect on protein structure/function; Has not been previously published as pathogenic or benign to our knowledge

Labcorp Genetics (formerly Invitae), Labcorp
Classification: Uncertain significance. Last evaluated: 2022-09-27. Review status: criteria provided, single submitter. Criteria: Invitae Variant Classification Sherloc (09022015). Collection method: clinical testing. Allele origin: germline.
Comment: This sequence change replaces glycine, which is neutral and non-polar, with arginine, which is basic and polar, at codon 23 of the EPS8 protein (p.Gly23Arg). This variant is present in population databases (rs554172126, gnomAD 0.04%). This variant has not been reported in the literature in individuals affected with EPS8-related conditions. ClinVar contains an entry for this variant (Variation ID: 1696882). Algorithms developed to predict the effect of missense changes on protein structure and function are either unavailable or do not agree on the potential impact of this missense change (SIFT: "Tolerated"; PolyPhen-2: "Probably Damaging"; Align-GVGD: "Class C0"). In summary, the available evidence is currently insufficient to determine the role of this variant in disease. Therefore, it has been classified as a Variant of Uncertain Significance.

NM_004447.6(EPS8):c.67G>A (p.Gly23Arg)

Gene: EPS8 (EGFR pathway substrate 8, signaling adaptor; minus strand). Cytogenetic location: 12p12.3.
Variant type: single nucleotide variant.
Coding change: c.67G>A on transcript NM_004447.6 (MANE Select); coding-DNA position 67, G replaced by A.
Protein change: p.Gly23Arg; replaces glycine 23 with arginine.
Molecular consequence: missense variant.
Genome position (GRCh38, 1-based): chr12:15,681,295, C>T on the plus strand (G>A on the coding strand, the complement: EPS8 is on the minus strand). VCF-style: chr12-15681295-C-T. GRCh37 (hg19) VCF-style: chr12-15834229-C-T.
Other names: short protein forms G23R.
Identifiers: ClinVar variation 1696882 (VCV001696882.10), dbSNP rs554172126, ClinGen allele CA6467994.
Genomic context (GRCh38, chr12:15,681,295, plus strand): 5'-CCTTTGCACTTGTTTTTGAACCATGTTCTCTGTCCGTCTGGGAAAAGGTAGGTGATGATC[C>T]GTAGCCACTGTAATAATAATAATAATAATAATAATAATAATATAAAAAGGTCATTGTGTT-3'
Protein context (NP_004438.3, residues 13-33): GMYPSQMNGY[Gly23Arg]SSPTFSQTDR